The following is an entry in ClinVar:

NM_006009.4(TUBA1A):c.667A>G (p.Thr223Ala)

Gene: TUBA1A (tubulin alpha 1a; minus strand). Cytogenetic location: 12q13.12.
Variant type: single nucleotide variant.
Coding change: c.667A>G on transcript NM_006009.4 (MANE Select); coding-DNA position 667, A replaced by G.
Protein change: p.Thr223Ala; replaces threonine 223 with alanine.
Molecular consequence: missense variant.
Genome position (GRCh38, 1-based): chr12:49,185,699, T>C on the plus strand (A>G on the coding strand, the complement: TUBA1A is on the minus strand). VCF-style: chr12-49185699-T-C. GRCh37 (hg19) VCF-style: chr12-49579482-T-C.
Other names: c.667A>G, p.Thr223Ala (NM_001270399.2); c.562A>G, p.Thr188Ala (NM_001270400.2); short protein forms T188A, T223A.
Identifiers: ClinVar variation 2446561 (VCV002446561.1), dbSNP rs2498860607, ClinGen allele CA384640912.

ClinVar aggregate classification (germline): Pathogenic (1 of 4 stars; one submission).

Submission:

GeneDx
Classification: Pathogenic. Last evaluated: 2023-03-30. Review status: criteria provided, single submitter. Criteria: GeneDx Variant Classification Process June 2021. Collection method: clinical testing. Allele origin: germline. Affected: yes.
Comment: Missense variants in this gene are often considered pathogenic (HGMD); In silico analysis supports that this missense variant has a deleterious effect on protein structure/function; Not observed at significant frequency in large population cohorts (gnomAD); Has not been previously published as pathogenic or benign to our knowledge